The following is an entry in ClinVar:

NM_022552.5(DNMT3A):c.999C>T (p.Asp333=)

Gene: DNMT3A (DNA methyltransferase 3 alpha; minus strand). Cytogenetic location: 2p23.3.
Variant type: single nucleotide variant.
Coding change: c.999C>T on transcript NM_022552.5 (MANE Select); coding-DNA position 999, C replaced by T.
Protein change: p.Asp333=; no amino-acid change (aspartic acid 333 retained).
Molecular consequence: synonymous variant. On other transcripts: non-coding transcript variant (1).
Genome position (GRCh38, 1-based): chr2:25,247,606, G>A on the plus strand (C>T on the coding strand, the complement: DNMT3A is on the minus strand). VCF-style: chr2-25247606-G-A. GRCh37 (hg19) VCF-style: chr2-25470475-G-A.
Other names: c.543C>T, p.Asp181= (NM_001320893.1); c.330C>T, p.Asp110= (NM_001375819.1); c.432C>T, p.Asp144= (NM_153759.3); c.999C>T, p.Asp333= (NM_175629.2); c.999C>T (NM_022552.3).
Identifiers: ClinVar variation 2868527 (VCV002868527.7), dbSNP rs148655749, ClinGen allele CA1556219.
Genomic context (GRCh38, chr2:25,247,606, plus strand): 5'-AGAACCTTCCCCCACCCCAGGCTACTGCCAAACCCCACAACTTACCACTGAGAATTTGCC[G>A]TCTCCGAACCACATGACCCAGCGGGTGCCTTCAGCTGCTCGGCTCCGGCCCGTCATCCAC-3'
Protein context (NP_072046.2, residues 323-343): EGTRWVMWFG[Asp333=]GKFSVVCVEK

ClinVar aggregate classification (germline): Likely benign. Review status: criteria provided, multiple submitters, no conflicts (2 of 4 stars). 4 submissions from 4 submitters: Likely benign (3). 1 of the submissions does not count toward it. Last evaluated 2025-07-14.

Conditions:
Inborn genetic diseases. Identifiers: MedGen C0950123, MeSH D030342.
Tatton-Brown-Rahman overgrowth syndrome. Also called: Tatton-Brown-Rahman syndrome; Tall stature-intellectual disability-facial dysmorphism syndrome. Identifiers: Orphanet 404443, MedGen C4014545, MONDO:0014382, OMIM 615879.
DNMT3A-related disorder. Also called: DNMT3A-related condition; DNMT3A-related disorders.

Allele frequency attached by ClinVar (database versions not stated): gnomAD exomes 0.00001; ExAC 0.00003; ESP Exome Variant Server 0.00008.
gnomAD v4.1: 24 of 1,613,776 alleles (0.0015%); highest among the groups gnomAD compares: African/African-American, 0.0053%; no homozygotes.

Submissions (4):

Labcorp Genetics (formerly Invitae), Labcorp
Classification: Likely benign for Tatton-Brown-Rahman overgrowth syndrome. Last evaluated: 2025-07-14. Review status: criteria provided, single submitter. Criteria: Invitae Variant Classification Sherloc (09022015). Collection method: clinical testing. Allele origin: germline.

Ambry Genetics
Classification: Likely benign for Inborn genetic diseases. Last evaluated: 2024-11-28. Review status: criteria provided, single submitter. Criteria: Ambry Variant Classification Scheme 2023. Collection method: clinical testing. Allele origin: germline.

Blueprint Genetics
Classification: Likely benign. Last evaluated: 2024-09-13. Review status: criteria provided, single submitter. Criteria: ACMG Guidelines, 2015. Collection method: clinical testing. Allele origin: germline.

PreventionGenetics, part of Exact Sciences
Classification: Likely benign for DNMT3A-related condition. Last evaluated: 2019-06-19. Review status: no assertion criteria provided. Collection method: clinical testing. Allele origin: germline. Not counted in ClinVar's aggregate classification.
Comment: This variant is classified as likely benign based on ACMG/AMP sequence variant interpretation guidelines (Richards et al. 2015 PMID: 25741868, with internal and published modifications).